The following is an entry in ClinVar:

NM_006514.4(SCN10A):c.2195T>A (p.Phe732Tyr)

Gene: SCN10A (sodium voltage-gated channel alpha subunit 10; minus strand). Cytogenetic location: 3p22.2.
Variant type: single nucleotide variant.
Coding change: c.2195T>A on transcript NM_006514.4 (MANE Select); coding-DNA position 2195, T replaced by A.
Protein change: p.Phe732Tyr; replaces phenylalanine 732 with tyrosine.
Molecular consequence: missense variant.
Genome position (GRCh38, 1-based): chr3:38,739,600, A>T on the plus strand (T>A on the coding strand, the complement: SCN10A is on the minus strand). VCF-style: chr3-38739600-A-T. GRCh37 (hg19) VCF-style: chr3-38781091-A-T.
Other names: p.Phe732Tyr; c.2195T>A (NM_006514.3); c.2195T>A, p.Phe732Tyr (NM_001293306.2); c.1901T>A, p.Phe634Tyr (NM_001293307.2); short protein forms F634Y, F732Y.
Identifiers: ClinVar variation 4160551 (VCV004160551.2).
Genomic context (GRCh38, chr3:38,739,600, plus strand): 5'-AGGCTTCCCTTCTTGGCCACGCCCAGCTCTAGCAGACTCACAGTGACGATGATGCAGTCA[A>T]AGATATTCCACTTCTTCTGGAAATAATAGTATGGGTCGAAGGCAATGATTTTGAAGACCA-3'
Protein context (NP_006505.4, residues 722-742): YYYFQKKWNI[Phe732Tyr]DCIIVTVSLL

ClinVar aggregate classification (germline): Uncertain significance. Review status: criteria provided, multiple submitters, no conflicts (2 of 4 stars). 2 submissions from 2 submitters: Uncertain significance (2). Last evaluated 2025-08-12.

Conditions:
Cardiovascular phenotype. Identifiers: MedGen CN230736.

gnomAD v4.1: 4 of 1,614,180 alleles (0.00025%); highest among the groups gnomAD compares: South Asian, 0.0044%; no homozygotes.

Submissions (2):

Ambry Genetics
Classification: Uncertain significance for Cardiovascular phenotype. Last evaluated: 2025-08-12. Review status: criteria provided, single submitter. Criteria: Ambry Variant Classification Scheme 2023. Collection method: clinical testing. Allele origin: germline.
Comment: The p.F732Y variant (also known as c.2195T>A), located in coding exon 14 of the SCN10A gene, results from a T to A substitution at nucleotide position 2195. The phenylalanine at codon 732 is replaced by tyrosine, an amino acid with highly similar properties. This amino acid position is conserved. In addition, this alteration is predicted to be deleterious by in silico analysis. Based on the available evidence, the clinical significance of this variant remains unclear.

Mayo Clinic Laboratories, Mayo Clinic
Classification: Uncertain significance. Last evaluated: 2025-03-24. Review status: criteria provided, single submitter. Criteria: ACMG Guidelines, 2015. Collection method: clinical testing. Allele origin: germline. Observed: 2 variant alleles.
Comment: PP3_strong, PM2_supporting